The following is an entry in ClinVar:

NM_001151.4(SLC25A4):c.703C>T (p.Arg235Cys)

Gene: SLC25A4 (solute carrier family 25 member 4; plus strand). Cytogenetic location: 4q35.1.
Variant type: single nucleotide variant.
Coding change: c.703C>T on transcript NM_001151.4 (MANE Select); coding-DNA position 703, C replaced by T.
Protein change: p.Arg235Cys; replaces arginine 235 with cysteine.
Molecular consequence: missense variant.
Genome position (GRCh38, 1-based): chr4:185,145,863, C>T. VCF-style: chr4-185145863-C-T. GRCh37 (hg19) VCF-style: chr4-186067017-C-T.
Other names: short protein forms R235C.
Identifiers: ClinVar variation 1305495 (VCV001305495.2), dbSNP rs886041082, ClinGen allele CA358897212.
Genomic context (GRCh38, chr4:185,145,863, plus strand): 5'-ATGATTGCCCAGAGTGTGACGGCAGTCGCAGGGCTGGTGTCCTACCCCTTTGACACTGTT[C>T]GTCGTAGAATGATGATGCAGTCCGGCCGGAAAGGGGGTAAGCTTGTGCTCTACTCATCTA-3'
Protein context (NP_001142.2, residues 225-245): GLVSYPFDTV[Arg235Cys]RRMMMQSGRK

ClinVar aggregate classification (germline): Uncertain significance (1 of 4 stars; one submission).

Submission:

GeneDx
Classification: Uncertain significance. Last evaluated: 2019-05-08. Review status: criteria provided, single submitter. Criteria: GeneDx Variant Classification Process June 2021. Collection method: clinical testing. Allele origin: germline. Affected: yes.
Comment: Has not been previously published as pathogenic or benign to our knowledge; Not observed in large population cohorts (Lek et al., 2016); In silico analysis, which includes protein predictors and evolutionary conservation, supports a deleterious effect